The following is an entry in ClinVar:

NM_022455.5(NSD1):c.5510-1G>A

Gene: NSD1 (nuclear receptor binding SET domain protein 1; plus strand). Cytogenetic location: 5q35.3.
Variant type: single nucleotide variant.
Coding change: c.5510-1G>A on transcript NM_022455.5 (MANE Select); the canonical splice acceptor site of the intron before coding-DNA position 5510, G replaced by A.
Molecular consequence: splice acceptor variant.
Genome position (GRCh38, 1-based): chr5:177,273,671, G>A. VCF-style: chr5-177273671-G-A. GRCh37 (hg19) VCF-style: chr5-176700672-G-A.
Other names: c.5510-1G>A (NM_001409301.1, NM_001409302.1, NM_001409303.1); c.5090-1G>A (NM_001409304.1); c.4757-1G>A (NM_001409305.1); c.4748-1G>A (NM_001409306.1, NM_001409307.1); c.4637-1G>A (NM_001409308.1, NM_172349.5, NM_001409309.1 and 1 more transcripts).
Identifiers: ClinVar variation 2637360 (VCV002637360.1), dbSNP rs2480749096, ClinGen allele CA362308320.
Genomic context (GRCh38, chr5:177,273,671, plus strand): 5'-TGAATAAATAAGTAATTCCACCCAGAGATTTTGAAGTGACTTGTGCTGTCTGTTTTCATA[G>A]CTCTTCAGGAAGCTGCAGCAAGGTTTGAGGAATTAAAGGCCCAAAAAGAGCTAAGACAGC-3'

ClinVar aggregate classification (germline): Likely pathogenic (1 of 4 stars; one submission).

Conditions:
NSD1-related disorder. Also called: NSD1-related condition.

Submission:

PreventionGenetics, part of Exact Sciences
Classification: Likely pathogenic for NSD1-related condition. Last evaluated: 2022-09-16. Review status: criteria provided, single submitter. Criteria: ACMG Guidelines, 2015. Collection method: clinical testing. Allele origin: germline.
Comment: The NSD1 c.5510-1G>A variant is predicted to disrupt the AG splice acceptor site and interfere with normal splicing. To our knowledge, this variant has not been reported in the literature or in a large population database, indicating this variant is rare. Variants that disrupt the consensus splice acceptor site in NSD1 are expected to be pathogenic. This variant is interpreted as likely pathogenic.